The following is an entry in ClinVar:

ClinVar aggregate classification (germline): Uncertain significance (1 of 4 stars; one submission).

Conditions:
Koolen-de Vries syndrome (KDVS). Identifiers: Orphanet 96169, MedGen C1864871, MONDO:0012496, OMIM 610443.

Submission:

Breda Genetics srl
Classification: Uncertain significance for Koolen-de Vries syndrome. Last evaluated: 2020-09-22. Review status: criteria provided, single submitter. Criteria: ACMG Guidelines, 2015. Collection method: clinical testing. Allele origin: germline. Inheritance: Autosomal dominant inheritance. Affected: yes. Observed: 1 variant allele, 1 heterozygote.
Comment: The variant c.1289+8G>C in the KANSL1 gene has not been reported in dbSNP, gnomAD, 1000 Genomes, NHLI Exome Sequencing Project (ESP) or ClinVar. The variant falls in the consensus region of the donor splice site of intron 2. According to Human Splicing Finder 3.0 (HSF 3.0), the variant has probably no significant impact on splicing. However, especially in the context of variable expressivity, it is recommended to use in silico prediction with caution.

NM_015443.4(KANSL1):c.1289+8G>C

Gene: KANSL1 (KAT8 regulatory NSL complex subunit 1). Cytogenetic location: 17q21.31.
Variant type: single nucleotide variant.
Coding change: c.1289+8G>C on transcript NM_015443.4 (MANE Select); 8 bases into the intron after coding-DNA position 1289, G replaced by C.
Molecular consequence: intron variant.
Genome position (GRCh38, 1-based): chr17:46,170,847, C>G on the plus strand (G>C on the coding strand, the complement: KANSL1 is on the minus strand). VCF-style: chr17-46170847-C-G. GRCh37 (hg19) VCF-style: chr17-44248213-C-G.
Other names: c.1289+8G>C (NM_001193465.2, NM_001379198.1, NM_001193466.2).
Identifiers: ClinVar variation 1299698 (VCV001299698.1), dbSNP rs767152233, ClinGen allele CA2499224668.